The following is an entry in ClinVar:

ClinVar aggregate classification (germline): Benign. Review status: criteria provided, single submitter (1 of 4 stars). 2 submissions from 2 submitters: Benign (1). 1 of the submissions does not count toward it. Last evaluated 2026-01-18.

Conditions:
PKD1L1-related disorder. Also called: PKD1L1-related condition.

Allele frequency attached by ClinVar (database versions not stated): TOPMed 0.02028; ExAC 0.02913; ESP Exome Variant Server 0.01530; gnomAD exomes 0.02284; gnomAD 0.01911; 1000 Genomes Project 30x 0.02561; 1000 Genomes Project 0.02596.
gnomAD v4.1: 36,379 of 1,614,188 alleles (2.3%); highest among the groups gnomAD compares: South Asian, 7.3%; 693 homozygotes.

Submissions (2):

Labcorp Genetics (formerly Invitae), Labcorp
Classification: Benign. Last evaluated: 2026-01-18. Review status: criteria provided, single submitter. Criteria: Invitae Variant Classification Sherloc (09022015). Collection method: clinical testing. Allele origin: germline.

PreventionGenetics, part of Exact Sciences
Classification: Benign for PKD1L1-related condition. Last evaluated: 2019-10-18. Review status: no assertion criteria provided. Collection method: clinical testing. Allele origin: germline. Not counted in ClinVar's aggregate classification.
Comment: This variant is classified as benign based on ACMG/AMP sequence variant interpretation guidelines (Richards et al. 2015 PMID: 25741868, with internal and published modifications).

NM_138295.5(PKD1L1):c.8130G>C (p.Gln2710His)

Genes: PKD1L1 (polycystin 1 like 1, transient receptor potential channel interacting; minus strand), PKD1L1-AS1 (PKD1L1 antisense RNA 1; plus strand). Cytogenetic location: 7p12.3.
Variant type: single nucleotide variant.
Coding change: c.8130G>C on transcript NM_138295.5 (MANE Select); coding-DNA position 8130, G replaced by C.
Protein change: p.Gln2710His; replaces glutamine 2710 with histidine.
Molecular consequence: missense variant.
Genome position (GRCh38, 1-based): chr7:47,800,712, C>G on the plus strand (G>C on the coding strand, the complement: PKD1L1 is on the minus strand). VCF-style: chr7-47800712-C-G. GRCh37 (hg19) VCF-style: chr7-47840310-C-G.
Other names: c.8130G>C (NM_138295.3); short protein forms Q2710H.
Identifiers: ClinVar variation 2027216 (VCV002027216.6), dbSNP rs146576726, ClinGen allele CA4251819.